The following is an entry in ClinVar:

NM_004525.3(LRP2):c.193G>T (p.Val65Leu)

Gene: LRP2 (LDL receptor related protein 2; minus strand). Cytogenetic location: 2q31.1.
Variant type: single nucleotide variant.
Coding change: c.193G>T on transcript NM_004525.3 (MANE Select); coding-DNA position 193, G replaced by T.
Protein change: p.Val65Leu; replaces valine 65 with leucine.
Molecular consequence: missense variant.
Genome position (GRCh38, 1-based): chr2:169,318,879, C>A on the plus strand (G>T on the coding strand, the complement: LRP2 is on the minus strand). VCF-style: chr2-169318879-C-A. GRCh37 (hg19) VCF-style: chr2-170175389-C-A.
Other names: c.193G>T (NM_004525.2); short protein forms V65L.
Identifiers: ClinVar variation 1352024 (VCV001352024.6), dbSNP rs1256042017, ClinGen allele CA349173977.

ClinVar aggregate classification (germline): Uncertain significance. Review status: criteria provided, multiple submitters, no conflicts (2 of 4 stars). 2 submissions from 2 submitters: Uncertain significance (2). Last evaluated 2025-10-14.

Conditions:
Inborn genetic diseases. Identifiers: MedGen C0950123, MeSH D030342.

Allele frequency attached by ClinVar (database versions not stated): gnomAD exomes 0.00001 and below 0.00001; TOPMed below 0.00001.
gnomAD v4.1: 17 of 1,614,094 alleles (0.0011%); highest among the groups gnomAD compares: Non-Finnish European, 0.0014%; no homozygotes.

Submissions (2):

Ambry Genetics
Classification: Uncertain significance for Inborn genetic diseases. Last evaluated: 2025-10-14. Review status: criteria provided, single submitter. Criteria: Ambry Variant Classification Scheme 2023. Collection method: clinical testing. Allele origin: germline.

Labcorp Genetics (formerly Invitae), Labcorp
Classification: Uncertain significance. Last evaluated: 2022-07-26. Review status: criteria provided, single submitter. Criteria: Invitae Variant Classification Sherloc (09022015). Collection method: clinical testing. Allele origin: germline.
Comment: This sequence change replaces valine, which is neutral and non-polar, with leucine, which is neutral and non-polar, at codon 65 of the LRP2 protein (p.Val65Leu). This variant is present in population databases (no rsID available, gnomAD 0.002%). This variant has not been reported in the literature in individuals affected with LRP2-related conditions. ClinVar contains an entry for this variant (Variation ID: 1352024). Advanced modeling of protein sequence and biophysical properties (such as structural, functional, and spatial information, amino acid conservation, physicochemical variation, residue mobility, and thermodynamic stability) performed at Invitae indicates that this missense variant is not expected to disrupt LRP2 protein function. In summary, the available evidence is currently insufficient to determine the role of this variant in disease. Therefore, it has been classified as a Variant of Uncertain Significance.